The following is an entry in ClinVar:

ClinVar aggregate classification (germline): Uncertain significance (1 of 4 stars; one submission).

Conditions:
Mitochondrial DNA depletion syndrome 13. Also called: FBXL4-Related Encephalomyopathic Mitochondrial DNA Depletion Syndrome; Mitochondrial DNA depletion syndrome 13 (encephalomyopathic type). Identifiers: Orphanet 369897, MedGen C3809592, MONDO:0014198, OMIM 615471.

Allele frequency attached by ClinVar (database versions not stated): TOPMed below 0.00001; ExAC 0.00001; gnomAD 0.00001.
gnomAD v4.1: 2 of 1,613,932 alleles (0.00012%); highest among the groups gnomAD compares: East Asian, 0.0022%; no homozygotes.

Submission:

Wong Mito Lab, Molecular and Human Genetics, Baylor College of Medicine
Classification: Uncertain significance for Mitochondrial DNA depletion syndrome 13. Last evaluated: 2017-08-10. Review status: criteria provided, single submitter. Criteria: ACMG Guidelines, 2015. Collection method: reference population. Allele origin: germline.
Comment: The NM_012160.4:c.1685A>G (NP_036292.2:p.Gln562Arg) [GRCH38: NC_000006.12:g.98875432T>C] variant in FBXL4 gene is interpretated to be a Uncertain Significance - Conflicting Evidence based on ACMG guidelines (PMID: 25741868). This variant meets one or more of the following evidence codes reported in the ACMG-guideline. PM2:This variant is absent in key population databases. BP4:Computational evidence/predictors indicate no impact on the FBXL4 structure, function, or protein-protein interaction. Based on this evidence code ClinGen Pathogenicity Calculator (PMID:28081714) suggested that the variant is Uncertain Significance - Conflicting Evidence.

NM_001278716.2(FBXL4):c.1685A>G (p.Gln562Arg)

Gene: FBXL4 (F-box and leucine rich repeat protein 4; minus strand). Cytogenetic location: 6q16.1.
Variant type: single nucleotide variant.
Coding change: c.1685A>G on transcript NM_001278716.2 (MANE Select); coding-DNA position 1685, A replaced by G.
Protein change: p.Gln562Arg; replaces glutamine 562 with arginine.
Molecular consequence: missense variant. On other transcripts: non-coding transcript variant (1).
Genome position (GRCh38, 1-based): chr6:98,875,432, T>C on the plus strand (A>G on the coding strand, the complement: FBXL4 is on the minus strand). VCF-style: chr6-98875432-T-C. GRCh37 (hg19) VCF-style: chr6-99323308-T-C.
Other names: c.1685A>G, p.Gln562Arg (NM_012160.5); short protein forms Q562R.
Identifiers: ClinVar variation 437787 (VCV000437787.1), dbSNP rs752427360, ClinGen allele CA3933405.